The following is an entry in ClinVar:

ClinVar aggregate classification (germline): Uncertain significance (1 of 4 stars; one submission).

Conditions:
Atrial fibrillation, familial, 11 (ATFB11). Identifiers: MedGen C3279693, MONDO:0013544, OMIM 614049.
Atrial standstill 1 (ATRST1). Also called: Atrial standstill, digenic (GJA5/SCN5A); ATRIAL CARDIOMYOPATHY WITH HEART BLOCK; CARDIOMYOPATHY, FAMILIAL, WITH CONDUCTION DISTURBANCE. Identifiers: Orphanet 1344, MedGen C4551959, MONDO:0007171, OMIM 108770.

Submission:

Labcorp Genetics (formerly Invitae), Labcorp
Classification: Uncertain significance for Atrial fibrillation, familial, 11; Atrial standstill 1. Last evaluated: 2022-09-10. Review status: criteria provided, single submitter. Criteria: Invitae Variant Classification Sherloc (09022015). Collection method: clinical testing. Allele origin: germline.
Comment: This sequence change replaces serine, which is neutral and polar, with cysteine, which is neutral and slightly polar, at codon 89 of the GJA5 protein (p.Ser89Cys). This variant has not been reported in the literature in individuals affected with GJA5-related conditions. This variant is not present in population databases (gnomAD no frequency). In summary, the available evidence is currently insufficient to determine the role of this variant in disease. Therefore, it has been classified as a Variant of Uncertain Significance. Advanced modeling of protein sequence and biophysical properties (such as structural, functional, and spatial information, amino acid conservation, physicochemical variation, residue mobility, and thermodynamic stability) performed at Invitae indicates that this missense variant is expected to disrupt GJA5 protein function.

NM_181703.4(GJA5):c.266C>G (p.Ser89Cys)

Gene: GJA5 (gap junction protein alpha 5; minus strand). Cytogenetic location: 1q21.2.
Variant type: single nucleotide variant.
Coding change: c.266C>G on transcript NM_181703.4 (MANE Select); coding-DNA position 266, C replaced by G.
Protein change: p.Ser89Cys; replaces serine 89 with cysteine.
Molecular consequence: missense variant.
Genome position (GRCh38, 1-based): chr1:147,758,973, G>C on the plus strand (C>G on the coding strand, the complement: GJA5 is on the minus strand). VCF-style: chr1-147758973-G-C. GRCh37 (hg19) VCF-style: chr1-147231081-G-C.
Other names: c.266C>G, p.Ser89Cys (NM_005266.7); short protein forms S89C.
Identifiers: ClinVar variation 1719219 (VCV001719219.5), dbSNP rs2524611740, ClinGen allele CA342397360.